The following is an entry in ClinVar:

ClinVar aggregate classification (germline): Likely pathogenic. Review status: criteria provided, single submitter (1 of 4 stars). 2 submissions from 2 submitters: Likely pathogenic (1). 1 of the submissions does not count toward it. Last evaluated 2022-02-11.

Conditions:
Currarino triad. Identifiers: Orphanet 1552, MedGen C1531773, MONDO:0008305, OMIM 176450.

Submissions (2):

Laboratorio de Genetica e Diagnostico Molecular, Hospital Israelita Albert Einstein
Classification: Likely pathogenic for Currarino triad. Last evaluated: 2022-02-11. Review status: criteria provided, single submitter. Criteria: ACMG Guidelines, 2015. Collection method: clinical testing. Allele origin: germline. Affected: yes.
Comment: ACMG classification criteria: PVS1 strong, PS4 supporting, PM2 moderate

OMIM
Classification: Pathogenic for CURRARINO SYNDROME. Last evaluated: 2000-01-01. Review status: no assertion criteria provided. Collection method: literature only. Allele origin: germline. Not counted in ClinVar's aggregate classification.

Literature cited by the submitters: PubMed 10631160 (cited by OMIM).

NM_005515.4(MNX1):c.852+1G>A

Genes: MNX1-AS2 (MNX1 antisense RNA 2; plus strand), MNX1 (motor neuron and pancreas homeobox 1; minus strand). Cytogenetic location: 7q36.3.
Variant type: single nucleotide variant.
Coding change: c.852+1G>A on transcript NM_005515.4 (MANE Select); the canonical splice donor site of the intron after coding-DNA position 852, G replaced by A.
Molecular consequence: splice donor variant.
Genome position (GRCh38, 1-based): chr7:157,006,478, C>T on the plus strand (G>A on the coding strand, the complement: MNX1 is on the minus strand). VCF-style: chr7-157006478-C-T. GRCh37 (hg19) VCF-style: chr7-156799172-C-T.
Other names: IVS2, G-A, +1; c.216+1G>A (NM_001165255.2).
Identifiers: ClinVar variation 14856 (VCV000014856.3), dbSNP rs1563700419, ClinGen allele CA370162390.